The following is an entry in ClinVar:

NM_001278064.2(GRM1):c.210C>T (p.Ile70=)

Gene: GRM1 (glutamate metabotropic receptor 1; plus strand). Cytogenetic location: 6q24.3.
Variant type: single nucleotide variant.
Coding change: c.210C>T on transcript NM_001278064.2 (MANE Select); coding-DNA position 210, C replaced by T.
Protein change: p.Ile70=; no amino-acid change (isoleucine 70 retained).
Molecular consequence: synonymous variant.
Genome position (GRCh38, 1-based): chr6:146,029,727, C>T. VCF-style: chr6-146029727-C-T. GRCh37 (hg19) VCF-style: chr6-146350863-C-T.
Other names: c.210C>T, p.Ile70= (NM_001278065.2, NM_001278066.1, NM_001278067.1).
Identifiers: ClinVar variation 748184 (VCV000748184.32), dbSNP rs112221974, ClinGen allele CA4037017.
Genomic context (GRCh38, chr6:146,029,727, plus strand): 5'-CTTCTCAGTCCATCACCAGCCTCCGGCCGAGAAAGTGCCCGAGAGGAAGTGTGGGGAGAT[C>T]AGGGAGCAGTATGGCATCCAGAGGGTGGAGGCCATGTTCCACACGTTGGATAAGATCAAC-3'
Protein context (NP_001264993.1, residues 60-80): EKVPERKCGE[Ile70=]REQYGIQRVE

ClinVar aggregate classification (germline): Likely benign. Review status: criteria provided, multiple submitters, no conflicts (2 of 4 stars). 2 submissions from 2 submitters: Likely benign (2). Last evaluated 2026-04-01.

Allele frequency attached by ClinVar (database versions not stated): ExAC 0.00013; gnomAD 0.00018 and 0.00021; gnomAD exomes 0.00022 and 0.00034; TOPMed 0.00028; 1000 Genomes Project 30x 0.00031; ESP Exome Variant Server 0.00038; 1000 Genomes Project 0.00040.
gnomAD v4.1: 536 of 1,614,032 alleles (0.033%); highest among the groups gnomAD compares: Admixed American, 0.042%; no homozygotes.

Submissions (2):

CeGaT Center for Human Genetics Tuebingen
Classification: Likely benign. Last evaluated: 2026-04-01. Review status: criteria provided, single submitter. Criteria: CeGaT Center For Human Genetics Tuebingen Variant Classification Criteria Version 2. Collection method: clinical testing. Allele origin: germline. Affected: yes. Observed: 2 variant alleles.
Comment: GRM1: BP4, BP7

Labcorp Genetics (formerly Invitae), Labcorp
Classification: Likely benign. Last evaluated: 2025-12-18. Review status: criteria provided, single submitter. Criteria: Invitae Variant Classification Sherloc (09022015). Collection method: clinical testing. Allele origin: germline.